The following is an entry in ClinVar:

ClinVar aggregate classification (germline): Uncertain significance. Review status: criteria provided, multiple submitters, no conflicts (2 of 4 stars). 3 submissions from 3 submitters: Uncertain significance (2). 1 of the submissions does not count toward it. Last evaluated 2025-06-08.

Conditions:
Hereditary cancer-predisposing syndrome. Also called: Neoplastic Syndromes, Hereditary; Hereditary Cancer Syndrome; Tumor predisposition; Hereditary neoplastic syndrome. Identifiers: Orphanet 140162, MedGen C0027672, MeSH D009386, MONDO:0015356.
Hereditary nonpolyposis colorectal neoplasms. Identifiers: MedGen C0009405, MeSH D003123.

Submissions (3):

Ambry Genetics
Classification: Uncertain significance for Hereditary cancer-predisposing syndrome. Last evaluated: 2025-06-08. Review status: criteria provided, single submitter. Criteria: Ambry Variant Classification Scheme 2023. Collection method: clinical testing. Allele origin: germline.
Comment: The p.E836Q variant (also known as c.2506G>C), located in coding exon 15 of the PMS2 gene, results from a G to C substitution at nucleotide position 2506. The glutamic acid at codon 836 is replaced by glutamine, an amino acid with highly similar properties. This amino acid position is conserved. In addition, this alteration is predicted to be tolerated by in silico analysis. Based on the available evidence, the clinical significance of this variant remains unclear.

Labcorp Genetics (formerly Invitae), Labcorp
Classification: Uncertain significance for Hereditary nonpolyposis colorectal neoplasms. Last evaluated: 2024-10-21. Review status: criteria provided, single submitter. Criteria: Invitae Variant Classification Sherloc (09022015). Collection method: clinical testing. Allele origin: germline.
Comment: This sequence change replaces glutamic acid, which is acidic and polar, with glutamine, which is neutral and polar, at codon 836 of the PMS2 protein (p.Glu836Gln). The frequency data for this variant in the population databases (gnomAD) is considered unreliable due to the presence of homologous sequence, such as pseudogenes or paralogs, in the genome. This variant has not been reported in the literature in individuals affected with PMS2-related conditions. ClinVar contains an entry for this variant (Variation ID: 2443220). Invitae Evidence Modeling incorporating data from in vitro experimental studies (internal data) indicates that this missense variant is not expected to disrupt PMS2 function with a negative predictive value of 95%. In summary, the available evidence is currently insufficient to determine the role of this variant in disease. Therefore, it has been classified as a Variant of Uncertain Significance.

Genetic Services Laboratory, University of Chicago
Classification: Uncertain significance. Last evaluated: 2022-08-30. Review status: no assertion criteria provided. Collection method: clinical testing. Allele origin: germline. Affected: no. Not counted in ClinVar's aggregate classification.
Comment: DNA sequence analysis of the PMS2 gene demonstrated a sequence change, c.2506G>C, in exon 15 that results in an amino acid change, p.Glu836Gln. This sequence change does not appear to have been previously described in individuals with PMS2-related disorders and has also not been described in population databases such as ExAC and gnomAD. The p.Glu836Gln change affects a moderately conserved amino acid residue located in a domain of the PMS2 protein that is not known to be functional. In-silico pathogenicity prediction tools (SIFT, PolyPhen2, Align GVGD, REVEL) provide contradictory results for the p.Glu836Gln substitution. Due to insufficient evidences and the lack of functional studies, the clinical significance of the p.Glu836Gln change remains unknown at this time.

NM_000535.7(PMS2):c.2506G>C (p.Glu836Gln)

Gene: PMS2 (PMS1 homolog 2, mismatch repair system component; minus strand). Cytogenetic location: 7p22.1.
Variant type: single nucleotide variant.
Coding change: c.2506G>C on transcript NM_000535.7 (MANE Select); coding-DNA position 2506, G replaced by C.
Protein change: p.Glu836Gln; replaces glutamic acid 836 with glutamine.
Molecular consequence: missense variant. On other transcripts: non-coding transcript variant (1).
Genome position (GRCh38, 1-based): chr7:5,973,482, C>G on the plus strand (G>C on the coding strand, the complement: PMS2 is on the minus strand). VCF-style: chr7-5973482-C-G. GRCh37 (hg19) VCF-style: chr7-6013113-C-G.
Other names: c.2101G>C, p.Glu701Gln (NM_001322003.2, NM_001322004.2, NM_001322005.2 and 12 more transcripts); c.2350G>C, p.Glu784Gln (NM_001322006.2); c.2188G>C, p.Glu730Gln (NM_001322007.2, NM_001322008.2, NM_001406883.1); c.2197G>C, p.Glu733Gln (NM_001322015.2, NM_001406877.1, NM_001406878.1 and 4 more transcripts); c.2692G>C, p.Glu898Gln (NM_001406866.1); c.2530G>C, p.Glu844Gln (NM_001406868.1); c.2398G>C, p.Glu800Gln (NM_001406869.1); c.2134G>C, p.Glu712Gln (NM_001322009.2, NM_001406887.1, NM_001406888.1); and 20 more; short protein forms E435Q, E525Q, E579Q, E597Q, E645Q, E649Q, E665Q, E674Q.
Identifiers: ClinVar variation 2443220 (VCV002443220.5), dbSNP rs786201039, ClinGen allele CA366734913.